The following is an entry in ClinVar:

NM_012414.4(RAB3GAP2):c.1779+7G>A

Gene: RAB3GAP2 (RAB3 GTPase activating non-catalytic protein subunit 2; minus strand). Cytogenetic location: 1q41.
Variant type: single nucleotide variant.
Coding change: c.1779+7G>A on transcript NM_012414.4 (MANE Select); 7 bases into the intron after coding-DNA position 1779, G replaced by A.
Molecular consequence: intron variant.
Genome position (GRCh38, 1-based): chr1:220,189,696, C>T on the plus strand (G>A on the coding strand, the complement: RAB3GAP2 is on the minus strand). VCF-style: chr1-220189696-C-T. GRCh37 (hg19) VCF-style: chr1-220363038-C-T.
Other names: p.?.
Identifiers: ClinVar variation 130075 (VCV000130075.38), dbSNP rs111345353, ClinGen allele CA154859.
Genomic context (GRCh38, chr1:220,189,696, plus strand): 5'-AAAGATTTTCTTAAGAAGGATGTATTATAGCTACTAGCAGGAAAGTTCGTGTATTATATA[C>T]ACTTACTTGTTTTTTGGTTGCAGGGTATTTAATATCAAGAATTAATTCCTTTATTTCTGT-3'

ClinVar aggregate classification (germline): Benign/Likely benign. Review status: criteria provided, multiple submitters, no conflicts (2 of 4 stars). 8 submissions from 7 submitters: Benign (5); Likely benign (3). Last evaluated 2026-01-14.

Conditions:
Warburg micro syndrome 2 (WARBM2). Also called: MICRO SYNDROME 2. Identifiers: Orphanet 2510, MedGen C3280214, MONDO:0013641, OMIM 614225.
Martsolf syndrome (MARTS). Also called: Congenital cataract with intellectual disability and hypogonadotropic hypogonadism syndrome. Identifiers: Orphanet 1387, MedGen C0796037, MONDO:0023910.

Allele frequency attached by ClinVar (database versions not stated): gnomAD exomes 0.00039 and 0.00085; ExAC 0.00146; 1000 Genomes Project 0.00319; 1000 Genomes Project 30x 0.00359; ESP Exome Variant Server 0.00362; gnomAD 0.00362 and 0.00390; TOPMed 0.00404.
gnomAD v4.1: 1,110 of 1,560,476 alleles (0.071%); highest among the groups gnomAD compares: African/African-American, 1.3%; 8 homozygotes.

Submissions (8):

Labcorp Genetics (formerly Invitae), Labcorp
Classification: Benign for Martsolf syndrome; Warburg micro syndrome 2. Last evaluated: 2026-01-14. Review status: criteria provided, single submitter. Criteria: Invitae Variant Classification Sherloc (09022015). Collection method: clinical testing. Allele origin: germline.

CeGaT Center for Human Genetics Tuebingen
Classification: Likely benign. Last evaluated: 2026-01-01. Review status: criteria provided, single submitter. Criteria: CeGaT Center For Human Genetics Tuebingen Variant Classification Criteria Version 2. Collection method: clinical testing. Allele origin: germline. Affected: yes. Observed: 3 variant alleles.
Comment: RAB3GAP2: BP4, BS1

Mayo Clinic Laboratories, Mayo Clinic
Classification: Benign. Last evaluated: 2025-09-23. Review status: criteria provided, single submitter. Criteria: ACMG Guidelines, 2015. Collection method: clinical testing. Allele origin: germline. Observed: 1 variant allele.
Comment: BA1, BP4, BP7

Blueprint Genetics
Classification: Likely benign. Last evaluated: 2024-07-02. Review status: criteria provided, single submitter. Criteria: ACMG Guidelines, 2015. Collection method: clinical testing. Allele origin: germline.

Illumina Laboratory Services, Illumina
Classification: Benign for Warburg micro syndrome 2. Last evaluated: 2018-01-12. Review status: criteria provided, single submitter. Criteria: ICSL Variant Classification Criteria 13 December 2019. Collection method: clinical testing. Allele origin: germline.
Comment: This variant was observed in the ICSL laboratory as part of a predisposition screen in an ostensibly healthy population. It had not been previously curated by ICSL or reported in the Human Gene Mutation Database (HGMD: prior to June 1st, 2018), and was therefore a candidate for classification through an automated scoring system. Utilizing variant allele frequency, disease prevalence and penetrance estimates, and inheritance mode, an automated score was calculated to assess if this variant is too frequent to cause the disease. Based on the score and internal cut-off values, a variant classified as benign is not then subjected to further curation. The score for this variant resulted in a classification of benign for this disease.

Illumina Laboratory Services, Illumina
Classification: Benign for Martsolf syndrome 1. Last evaluated: 2018-01-12. Review status: criteria provided, single submitter. Criteria: ICSL Variant Classification Criteria 13 December 2019. Collection method: clinical testing. Allele origin: germline.
Comment: the same text as in the submission from Illumina Laboratory Services, Illumina above.

GeneDx
Classification: Likely benign. Last evaluated: 2017-08-11. Review status: criteria provided, single submitter. Criteria: GeneDx Variant Classification (06012015). Collection method: clinical testing. Allele origin: germline. Affected: yes.
Comment: This variant is considered likely benign or benign based on one or more of the following criteria: it is a conservative change, it occurs at a poorly conserved position in the protein, it is predicted to be benign by multiple in silico algorithms, and/or has population frequency not consistent with disease.

Genetic Services Laboratory, University of Chicago
Classification: Benign. Last evaluated: 2015-10-14. Review status: criteria provided, single submitter. Criteria: ACMG Guidelines, 2015. Collection method: clinical testing. Allele origin: germline. Affected: no.